The following is an entry in ClinVar:

ClinVar aggregate classification (germline): Pathogenic (1 of 4 stars; one submission).

Submission:

Labcorp Genetics (formerly Invitae), Labcorp
Classification: Pathogenic. Last evaluated: 2023-02-07. Review status: criteria provided, single submitter. Criteria: Invitae Variant Classification Sherloc (09022015). Collection method: clinical testing. Allele origin: germline.
Comment: This sequence change creates a premature translational stop signal (p.Cys5Alafs*14) in the MOCS2A gene. It is expected to result in an absent or disrupted protein product. Loss-of-function variants in MOCS2A are known to be pathogenic (PMID: 21031595). For these reasons, this variant has been classified as Pathogenic. This variant has not been reported in the literature in individuals affected with MOCS2A-related conditions. This variant is not present in population databases (gnomAD no frequency).

Literature cited by the submitters: PubMed 21031595.

NM_176806.4(MOCS2):c.12del (p.Cys5fs)

Genes: MOCS2 (molybdenum cofactor synthesis 2; minus strand), LOC129993881 (ATAC-STARR-seq lymphoblastoid silent region 16005; plus strand). Cytogenetic location: 5q11.2.
Variant type: Deletion.
Coding change: c.12del on transcript NM_176806.4 (MANE Plus Clinical); coding-DNA position 12, one base deleted (G; older notation c.12delG).
Protein change: p.Cys5fs; shifts the reading frame from cysteine 5.
Molecular consequence: frameshift variant. On other transcripts: 5 prime UTR variant (1).
Genome position (GRCh38, 1-based): chr5:53,109,718, C deleted on the plus strand (G on the coding strand, the reverse complement: MOCS2 is on the minus strand). VCF-style (leftmost placement, unchanged base first): chr5-53109717-AC-A. GRCh37 (hg19) VCF-style: chr5-52405547-AC-A.
Other names: c.-637del (NM_004531.5); c.-176delG (NM_183418.1); short protein forms C5fs.
Identifiers: ClinVar variation 2833050 (VCV002833050.3), dbSNP rs2478623197, ClinGen allele CA2739274726.